The following is an entry in ClinVar:

NM_024721.5(ZFHX4):c.1032T>C (p.Val344=)

Gene: ZFHX4 (zinc finger homeobox 4; plus strand). Cytogenetic location: 8q21.13.
Variant type: single nucleotide variant.
Coding change: c.1032T>C on transcript NM_024721.5 (MANE Select); coding-DNA position 1032, T replaced by C.
Protein change: p.Val344=; no amino-acid change (valine 344 retained).
Molecular consequence: synonymous variant.
Genome position (GRCh38, 1-based): chr8:76,705,120, T>C. VCF-style: chr8-76705120-T-C. GRCh37 (hg19) VCF-style: chr8-77617355-T-C.
Other names: c.1032T>C, p.Val344= (NM_001410934.1).
Identifiers: ClinVar variation 3041201 (VCV003041201.3), dbSNP rs373343766, ClinGen allele CA4786728.

ClinVar aggregate classification (germline): Likely benign. Review status: criteria provided, single submitter (1 of 4 stars). 2 submissions from 2 submitters: Likely benign (1). 1 of the submissions does not count toward it. Last evaluated 2026-07-01.

Conditions:
ZFHX4-related disorder. Also called: ZFHX4-related condition.

Allele frequency attached by ClinVar (database versions not stated): gnomAD exomes 0.00004; ExAC 0.00007; gnomAD 0.00022; ESP Exome Variant Server 0.00025; TOPMed 0.00027; 1000 Genomes Project 30x 0.00031; 1000 Genomes Project 0.00040.
gnomAD v4.1: 88 of 1,613,706 alleles (0.0055%); highest among the groups gnomAD compares: African/African-American, 0.081%; no homozygotes.

Submissions (2):

CeGaT Center for Human Genetics Tuebingen
Classification: Likely benign. Last evaluated: 2026-07-01. Review status: criteria provided, single submitter. Criteria: CeGaT Center For Human Genetics Tuebingen Variant Classification Criteria Version 2. Collection method: clinical testing. Allele origin: germline. Affected: yes. Observed: 1 variant allele.
Comment: ZFHX4: BP4, BP7

PreventionGenetics, part of Exact Sciences
Classification: Likely benign for ZFHX4-related condition. Last evaluated: 2019-05-31. Review status: no assertion criteria provided. Collection method: clinical testing. Allele origin: germline. Not counted in ClinVar's aggregate classification.
Comment: This variant is classified as likely benign based on ACMG/AMP sequence variant interpretation guidelines (Richards et al. 2015 PMID: 25741868, with internal and published modifications).